The following is an entry in ClinVar:

ClinVar aggregate classification (germline): Uncertain significance (1 of 4 stars; one submission).

Submission:

Greenwood Genetic Center Diagnostic Laboratories, Greenwood Genetic Center
Classification: Uncertain significance. Last evaluated: 2024-08-12. Review status: criteria provided, single submitter. Criteria: ACMG Guidelines, 2015. Collection method: clinical testing. Allele origin: germline. Affected: yes.
Comment: PM1_Supporting, PM2, PP2, PP3

NM_001165963.4(SCN1A):c.2603A>C (p.Lys868Thr)

Gene: SCN1A (sodium voltage-gated channel alpha subunit 1; minus strand). Cytogenetic location: 2q24.3.
Variant type: single nucleotide variant.
Coding change: c.2603A>C on transcript NM_001165963.4 (MANE Select); coding-DNA position 2603, A replaced by C.
Protein change: p.Lys868Thr; replaces lysine 868 with threonine.
Molecular consequence: missense variant. On other transcripts: non-coding transcript variant (1).
Genome position (GRCh38, 1-based): chr2:166,038,119, T>G on the plus strand (A>C on the coding strand, the complement: SCN1A is on the minus strand). VCF-style: chr2-166038119-T-G. GRCh37 (hg19) VCF-style: chr2-166894629-T-G.
Other names: c.2519A>C, p.Lys840Thr (NM_001165964.3, NM_001353957.2, NM_001353958.2); c.2603A>C, p.Lys868Thr (NM_001202435.3, NM_001353948.2); c.2570A>C, p.Lys857Thr (NM_001353949.2, NM_001353950.2, NM_001353951.2 and 2 more transcripts); c.2567A>C, p.Lys856Thr (NM_001353954.2, NM_001353955.2); c.2516A>C, p.Lys839Thr (NM_001353960.2); c.161A>C, p.Lys54Thr (NM_001353961.2); short protein forms K54T, K839T, K840T, K856T, K857T, K868T.
Identifiers: ClinVar variation 3765580 (VCV003765580.1).
Genomic context (GRCh38, chr2:166,038,119, plus strand): 5'-CCCACGGAATTGCCGATGATCTTTATTAGCATATTTAACGTTGGCCAAGATTTTGCCAAC[T>G]TGAAAACTCGCAGCTGGAAAATGAAAGATTAATATATATTTGTATGATTCTTAAAAGCAT-3'
Protein context (NP_001159435.1, residues 858-878): LRSFRLLRVF[Lys868Thr]LAKSWPTLNM